The following is an entry in ClinVar:

NM_032575.3(GLIS2):c.1458C>T (p.Thr486=)

Gene: GLIS2 (GLIS family zinc finger 2; plus strand). Cytogenetic location: 16p13.3.
Variant type: single nucleotide variant.
Coding change: c.1458C>T on transcript NM_032575.3 (MANE Select); coding-DNA position 1458, C replaced by T.
Protein change: p.Thr486=; no amino-acid change (threonine 486 retained).
Molecular consequence: synonymous variant.
Genome position (GRCh38, 1-based): chr16:4,337,407, C>T. VCF-style: chr16-4337407-C-T. GRCh37 (hg19) VCF-style: chr16-4387408-C-T.
Other names: c.1458C>T, p.Thr486= (NM_001318918.2).
Identifiers: ClinVar variation 4988388 (VCV004988388.1).

ClinVar aggregate classification (germline): Likely benign (1 of 4 stars; one submission).

Conditions:
GLIS2-related disorder. Also called: GLIS2-related condition.

Submission:

PreventionGenetics, part of Exact Sciences
Classification: Likely benign for GLIS2-related condition. Last evaluated: 2025-12-14. Review status: criteria provided, single submitter. Criteria: ACMG Guidelines, 2015. Collection method: clinical testing. Allele origin: germline.
Comment: This variant is classified as likely benign based on ACMG/AMP sequence variant interpretation guidelines (Richards et al. 2015 PMID: 25741868, with internal and published modifications).